The following is an entry in ClinVar:

ClinVar aggregate classification (germline): Uncertain significance. Review status: criteria provided, multiple submitters, no conflicts (2 of 4 stars). 3 submissions from 3 submitters: Uncertain significance (3). Last evaluated 2025-01-03.

Conditions:
Inborn genetic diseases. Identifiers: MedGen C0950123, MeSH D030342.

Allele frequency attached by ClinVar (database versions not stated): TOPMed 0.00005.
gnomAD v4.1: 30 of 1,613,860 alleles (0.0019%); highest among the groups gnomAD compares: African/African-American, 0.0053%; no homozygotes.

Submissions (3):

Ambry Genetics
Classification: Uncertain significance for Inborn genetic diseases. Last evaluated: 2025-01-03. Review status: criteria provided, single submitter. Criteria: Ambry Variant Classification Scheme 2023. Collection method: clinical testing. Allele origin: germline.

Blueprint Genetics
Classification: Uncertain significance. Last evaluated: 2023-09-06. Review status: criteria provided, single submitter. Criteria: ACMG Guidelines, 2015. Collection method: clinical testing. Allele origin: germline.

Labcorp Genetics (formerly Invitae), Labcorp
Classification: Uncertain significance. Last evaluated: 2021-08-30. Review status: criteria provided, single submitter. Criteria: Invitae Variant Classification Sherloc (09022015). Collection method: clinical testing. Allele origin: germline.
Comment: This sequence change replaces serine with arginine at codon 457 of the HSPG2 protein (p.Ser457Arg). The serine residue is highly conserved and there is a moderate physicochemical difference between serine and arginine. This variant is present in population databases (rs770532300, ExAC 0.01%). This variant has not been reported in the literature in individuals affected with HSPG2-related conditions. Algorithms developed to predict the effect of missense changes on protein structure and function are either unavailable or do not agree on the potential impact of this missense change (SIFT: "Deleterious"; PolyPhen-2: "Probably Damaging"; Align-GVGD: "Class C0"). In summary, the available evidence is currently insufficient to determine the role of this variant in disease. Therefore, it has been classified as a Variant of Uncertain Significance.

NM_005529.7(HSPG2):c.1371C>A (p.Ser457Arg)

Gene: HSPG2 (heparan sulfate proteoglycan 2; minus strand). Cytogenetic location: 1p36.12.
Variant type: single nucleotide variant.
Coding change: c.1371C>A on transcript NM_005529.7 (MANE Select); coding-DNA position 1371, C replaced by A.
Protein change: p.Ser457Arg; replaces serine 457 with arginine.
Molecular consequence: missense variant.
Genome position (GRCh38, 1-based): chr1:21,884,903, G>T on the plus strand (C>A on the coding strand, the complement: HSPG2 is on the minus strand). VCF-style: chr1-21884903-G-T. GRCh37 (hg19) VCF-style: chr1-22211396-G-T.
Other names: c.1371C>A (NM_005529.5); c.1371C>A, p.Ser457Arg (NM_001291860.2); short protein forms S457R.
Identifiers: ClinVar variation 1438972 (VCV001438972.7), dbSNP rs770532300, ClinGen allele CA673468.